The following is an entry in ClinVar:

NM_000070.3(CAPN3):c.1537-33G>A

Gene: CAPN3 (calpain 3; plus strand). Cytogenetic location: 15q15.1.
Variant type: single nucleotide variant.
Coding change: c.1537-33G>A on transcript NM_000070.3 (MANE Select); 33 bases into the intron before coding-DNA position 1537, G replaced by A.
Molecular consequence: intron variant.
Genome position (GRCh38, 1-based): chr15:42,402,761, G>A. VCF-style: chr15-42402761-G-A. GRCh37 (hg19) VCF-style: chr15-42694959-G-A.
Other names: c.1537-33G>A (NM_024344.2); c.1393-33G>A (NM_173087.2); c.1-33G>A (NM_173088.2).
Identifiers: ClinVar variation 679631 (VCV000679631.2), dbSNP rs143412460, ClinGen allele CA7511418.

ClinVar aggregate classification (germline): Likely benign. Review status: criteria provided, single submitter (1 of 4 stars). 2 submissions from 2 submitters: Likely benign (1). 1 of the submissions does not count toward it. Last evaluated 2018-06-18.

Conditions:
Autosomal recessive limb-girdle muscular dystrophy type 2A (LGMDR1). Also called: Limb-girdle muscular dystrophy, type 2A; Calpainopathy; Muscular dystrophy, limb-girdle, type 2A, Amish; LEYDEN-MOEBIUS MUSCULAR DYSTROPHY; MUSCULAR DYSTROPHY, PELVOFEMORAL. Identifiers: Orphanet 267, MedGen C1869123, MONDO:0009675, OMIM 253600. Disease mechanism: loss of function.

Allele frequency attached by ClinVar (database versions not stated): gnomAD exomes 0.00090; 1000 Genomes Project 0.00200; 1000 Genomes Project 30x 0.00203; gnomAD 0.00363; ESP Exome Variant Server 0.00369; TOPMed 0.00434.
gnomAD v4.1: 1,025 of 1,607,064 alleles (0.064%); highest among the groups gnomAD compares: African/African-American, 1.2%; 7 homozygotes.

Submissions (2):

GeneDx
Classification: Likely benign. Last evaluated: 2018-06-18. Review status: criteria provided, single submitter. Criteria: GeneDx Variant Classification (06012015). Collection method: clinical testing. Allele origin: germline. Affected: yes.
Comment: This variant is considered likely benign or benign based on one or more of the following criteria: it is a conservative change, it occurs at a poorly conserved position in the protein, it is predicted to be benign by multiple in silico algorithms, and/or has population frequency not consistent with disease.

Natera, Inc.
Classification: Benign for Limb-girdle muscular dystrophy type 2A. Last evaluated: 2019-10-21. Review status: no assertion criteria provided. Collection method: clinical testing. Allele origin: germline. Not counted in ClinVar's aggregate classification.